The following is an entry in ClinVar:

ClinVar aggregate classification (germline): Uncertain significance (1 of 4 stars; one submission).

Conditions:
Short-rib thoracic dysplasia 11 with or without polydactyly (SRTD11). Also called: SHORT-RIB THORACIC DYSPLASIA 11 WITHOUT POLYDACTYLY. Identifiers: Orphanet 474, Orphanet 93271, MedGen C3810200, MONDO:0014287, OMIM 615633.

Submission:

Labcorp Genetics (formerly Invitae), Labcorp
Classification: Uncertain significance for Short-rib thoracic dysplasia 11 with or without polydactyly. Last evaluated: 2021-09-09. Review status: criteria provided, single submitter. Criteria: Invitae Variant Classification Sherloc (09022015). Collection method: clinical testing. Allele origin: germline.
Comment: In summary, the available evidence is currently insufficient to determine the role of this variant in disease. Therefore, it has been classified as a Variant of Uncertain Significance. Algorithms developed to predict the effect of missense changes on protein structure and function are either unavailable or do not agree on the potential impact of this missense change (SIFT: "Deleterious"; PolyPhen-2: "Probably Damaging"; Align-GVGD: "Class C0"). This variant has not been reported in the literature in individuals affected with WDR34-related conditions. This variant is not present in population databases (ExAC no frequency). This sequence change replaces glycine with glutamic acid at codon 415 of the WDR34 protein (p.Gly415Glu). The glycine residue is highly conserved and there is a moderate physicochemical difference between glycine and glutamic acid.

NM_052844.4(DYNC2I2):c.1244G>A (p.Gly415Glu)

Gene: DYNC2I2 (dynein 2 intermediate chain 2; minus strand). Cytogenetic location: 9q34.11.
Variant type: single nucleotide variant.
Coding change: c.1244G>A on transcript NM_052844.4 (MANE Select); coding-DNA position 1244, G replaced by A.
Protein change: p.Gly415Glu; replaces glycine 415 with glutamic acid.
Molecular consequence: missense variant.
Genome position (GRCh38, 1-based): chr9:128,634,354, C>T on the plus strand (G>A on the coding strand, the complement: DYNC2I2 is on the minus strand). VCF-style: chr9-128634354-C-T. GRCh37 (hg19) VCF-style: chr9-131396633-C-T.
Other names: short protein forms G415E.
Identifiers: ClinVar variation 1681190 (VCV001681190.6), dbSNP rs2132136665, ClinGen allele CA375111047.